The following is an entry in ClinVar:

NM_001379403.1(WDR26):c.403T>A (p.Leu135Met)

Gene: WDR26 (WD repeat domain 26; minus strand). Cytogenetic location: 1q42.12.
Variant type: single nucleotide variant.
Coding change: c.403T>A on transcript NM_001379403.1 (MANE Select); coding-DNA position 403, T replaced by A.
Protein change: p.Leu135Met; replaces leucine 135 with methionine.
Molecular consequence: missense variant.
Genome position (GRCh38, 1-based): chr1:224,434,003, A>T on the plus strand (T>A on the coding strand, the complement: WDR26 is on the minus strand). VCF-style: chr1-224434003-A-T. GRCh37 (hg19) VCF-style: chr1-224621705-A-T.
Other names: c.103T>A, p.Leu35Met (NM_001115113.3, NM_025160.7); short protein forms L135M, L35M.
Identifiers: ClinVar variation 5020651 (VCV005020651.1).

ClinVar aggregate classification (germline): Uncertain significance (1 of 4 stars; one submission).

Submission:

Dasa
Classification: Uncertain significance. Last evaluated: 2026-04-30. Review status: criteria provided, single submitter. Criteria: DASA Assertion Criteria. Collection method: clinical testing. Allele origin: germline.
Comment: NM_001379403.1(WDR26):c.403T>A (p.Leu135Met) is a missense variant that results in the substitution of leucine with methionine. This variant is rare in population databases. The currently available literature and clinical evidence are not sufficient to establish a definitive association between this variant and the reported condition. Therefore, this variant is classified as a variant of uncertain significance.